The following is an entry in ClinVar:

NM_001080442.3(SLC38A8):c.946C>T (p.Leu316=)

Gene: SLC38A8 (solute carrier family 38 member 8; minus strand). Cytogenetic location: 16q23.3.
Variant type: single nucleotide variant.
Coding change: c.946C>T on transcript NM_001080442.3 (MANE Select); coding-DNA position 946, C replaced by T.
Protein change: p.Leu316=; no amino-acid change (leucine 316 retained).
Molecular consequence: synonymous variant.
Genome position (GRCh38, 1-based): chr16:84,017,147, G>A on the plus strand (C>T on the coding strand, the complement: SLC38A8 is on the minus strand). VCF-style: chr16-84017147-G-A. GRCh37 (hg19) VCF-style: chr16-84050752-G-A.
Other names: c.946C>T (NM_001080442.2).
Identifiers: ClinVar variation 2908780 (VCV002908780.4), dbSNP rs192615462, ClinGen allele CA8199911.

ClinVar aggregate classification (germline): Likely benign. Review status: criteria provided, multiple submitters, no conflicts (2 of 4 stars). 2 submissions from 2 submitters: Likely benign (2). Last evaluated 2026-06-22.

Conditions:
SLC38A8-related disorder. Also called: SLC38A8-related condition.

Allele frequency attached by ClinVar (database versions not stated): gnomAD exomes 0.00002; gnomAD 0.00004; TOPMed 0.00004; ExAC 0.00011; 1000 Genomes Project 30x 0.00031; 1000 Genomes Project 0.00040.

Submissions (2):

PreventionGenetics, part of Exact Sciences
Classification: Likely benign for SLC38A8-related condition. Last evaluated: 2026-06-22. Review status: criteria provided, single submitter. Criteria: ACMG Guidelines, 2015. Collection method: clinical testing. Allele origin: germline.
Comment: This variant is classified as likely benign based on ACMG/AMP sequence variant interpretation guidelines (Richards et al. 2015 PMID: 25741868, with internal and published modifications).

Labcorp Genetics (formerly Invitae), Labcorp
Classification: Likely benign. Last evaluated: 2024-03-05. Review status: criteria provided, single submitter. Criteria: Invitae Variant Classification Sherloc (09022015). Collection method: clinical testing. Allele origin: germline.